The following is an entry in ClinVar:

NM_030973.4(MED25):c.1275G>A (p.Arg425=)

Gene: MED25 (mediator complex subunit 25; plus strand). Cytogenetic location: 19q13.33.
Variant type: single nucleotide variant.
Coding change: c.1275G>A on transcript NM_030973.4 (MANE Select); coding-DNA position 1275, G replaced by A.
Protein change: p.Arg425=; no amino-acid change (arginine 425 retained).
Molecular consequence: synonymous variant.
Genome position (GRCh38, 1-based): chr19:49,831,980, G>A. VCF-style: chr19-49831980-G-A. GRCh37 (hg19) VCF-style: chr19-50335237-G-A.
Other names: c.1275G>A, p.Arg425= (NM_001378355.1).
Identifiers: ClinVar variation 2650288 (VCV002650288.27), dbSNP rs1437150824, ClinGen allele CA508141487.

ClinVar aggregate classification (germline): Likely benign. Review status: criteria provided, multiple submitters, no conflicts (2 of 4 stars). 2 submissions from 2 submitters: Likely benign (2). Last evaluated 2025-08-03.

Conditions:
Charcot-Marie-Tooth disease type 2. Also called: Charcot-Marie-Tooth type 2. Identifiers: Orphanet 64746, MedGen C0270914, MONDO:0018993.

Allele frequency attached by ClinVar (database versions not stated): gnomAD exomes below 0.00001.
gnomAD v4.1: 2 of 1,614,088 alleles (0.00012%); highest among the groups gnomAD compares: Non-Finnish European, 0.000085%; no homozygotes.

Submissions (2):

Labcorp Genetics (formerly Invitae), Labcorp
Classification: Likely benign for Charcot-Marie-Tooth disease type 2. Last evaluated: 2025-08-03. Review status: criteria provided, single submitter. Criteria: Invitae Variant Classification Sherloc (09022015). Collection method: clinical testing. Allele origin: germline.

CeGaT Center for Human Genetics Tuebingen
Classification: Likely benign. Last evaluated: 2023-04-01. Review status: criteria provided, single submitter. Criteria: CeGaT Center For Human Genetics Tuebingen Variant Classification Criteria Version 2. Collection method: clinical testing. Allele origin: germline. Affected: yes. Observed: 1 variant allele.
Comment: MED25: BP4, BP7